The following is an entry in ClinVar:

ClinVar aggregate classification (germline): Likely pathogenic (1 of 4 stars; one submission).

Conditions:
Cockayne syndrome type 2 (CSB). Also called: Cockayne Syndrome, Type II; COCKAYNE SYNDROME B. Identifiers: Orphanet 191, Orphanet 90322, MedGen C0751038, MONDO:0019570, OMIM 133540.

Submission:

Myriad Genetics, Inc.
Classification: Likely pathogenic for Cockayne syndrome type 2. Last evaluated: 2019-12-27. Review status: criteria provided, single submitter. Criteria: Myriad Women's Health Autosomal Recessive and X-Linked Classification Criteria (2019). Collection method: clinical testing. Allele origin: unknown.
Comment: NM_000124.2(ERCC6):c.3097A>T(K1033*) is expected to be pathogenic in the context of ERCC6-related disorders. This variant is predicted to lead to an abnormal or absent protein product due to the creation of a premature termination codon in ERCC6, a gene where loss-of-function variants are known to be pathogenic. Please note: this variant was assessed in the context of healthy population screening.

NM_000124.4(ERCC6):c.3097A>T (p.Lys1033Ter)

Gene: ERCC6 (ERCC excision repair 6, chromatin remodeling factor; minus strand). Cytogenetic location: 10q11.23.
Variant type: single nucleotide variant.
Coding change: c.3097A>T on transcript NM_000124.4 (MANE Select); coding-DNA position 3097, A replaced by T.
Protein change: p.Lys1033Ter; replaces lysine 1033 with a stop codon.
Molecular consequence: nonsense.
Genome position (GRCh38, 1-based): chr10:49,470,863, T>A on the plus strand (A>T on the coding strand, the complement: ERCC6 is on the minus strand). VCF-style: chr10-49470863-T-A. GRCh37 (hg19) VCF-style: chr10-50678909-T-A.
Other names: c.3097A>T, p.Lys1033Ter (NM_001346440.2); short protein forms K1033*.
Identifiers: ClinVar variation 983691 (VCV000983691.3), dbSNP rs1850766086, ClinGen allele CA376717102.